The following is an entry in ClinVar:

NM_002156.5(HSPD1):c.30G>C (p.Gln10His)

Gene: HSPD1 (heat shock protein family D (Hsp60) member 1; minus strand). Cytogenetic location: 2q33.1.
Variant type: single nucleotide variant.
Coding change: c.30G>C on transcript NM_002156.5 (MANE Select); coding-DNA position 30, G replaced by C.
Protein change: p.Gln10His; replaces glutamine 10 with histidine.
Molecular consequence: missense variant.
Genome position (GRCh38, 1-based): chr2:197,498,819, C>G on the plus strand (G>C on the coding strand, the complement: HSPD1 is on the minus strand). VCF-style: chr2-197498819-C-G. GRCh37 (hg19) VCF-style: chr2-198363543-C-G.
Other names: c.30G>C, p.Gln10His (NM_199440.2); short protein forms Q10H.
Identifiers: ClinVar variation 841600 (VCV000841600.11), dbSNP rs774482203, ClinGen allele CA2043704.

ClinVar aggregate classification (germline): Uncertain significance (1 of 4 stars; one submission).

Conditions:
Spastic paraplegia. Identifiers: MedGen C0037772, HP:0001258.

Allele frequency attached by ClinVar (database versions not stated): TOPMed 0.00002.
gnomAD v4.1: 17 of 1,614,218 alleles (0.0011%); highest among the groups gnomAD compares: East Asian, 0.0089%; no homozygotes.

Submission:

Labcorp Genetics (formerly Invitae), Labcorp
Classification: Uncertain significance for Spastic paraplegia. Last evaluated: 2024-04-15. Review status: criteria provided, single submitter. Criteria: Invitae Variant Classification Sherloc (09022015). Collection method: clinical testing. Allele origin: germline.
Comment: This sequence change replaces glutamine, which is neutral and polar, with histidine, which is basic and polar, at codon 10 of the HSPD1 protein (p.Gln10His). This variant is present in population databases (rs774482203, gnomAD 0.03%). This variant has not been reported in the literature in individuals affected with HSPD1-related conditions. ClinVar contains an entry for this variant (Variation ID: 841600). Algorithms developed to predict the effect of missense changes on protein structure and function output the following: SIFT: "Not Available"; PolyPhen-2: "Benign"; Align-GVGD: "Not Available". The histidine amino acid residue is found in multiple mammalian species, which suggests that this missense change does not adversely affect protein function. In summary, the available evidence is currently insufficient to determine the role of this variant in disease. Therefore, it has been classified as a Variant of Uncertain Significance.